The following is an entry in ClinVar:

ClinVar aggregate classification (germline): Uncertain significance (1 of 4 stars; one submission).

Conditions:
CHARGE syndrome (CHARGE). Also called: Hittner Hirsch Kreh syndrome; CHARGE ASSOCIATION--COLOBOMA, HEART ANOMALY, CHOANAL ATRESIA, RETARDATION, GENITAL AND EAR ANOMALIES; Coloboma, heart anomaly, choanal atresia, retardation, genital and ear anomalies; CHARGE association; Hall-Hittner syndrome. Identifiers: Orphanet 138, MedGen C0265354, MONDO:0008965.

Submission:

Labcorp Genetics (formerly Invitae), Labcorp
Classification: Uncertain significance for CHARGE syndrome. Last evaluated: 2025-05-18. Review status: criteria provided, single submitter. Criteria: Invitae Variant Classification Sherloc (09022015). Collection method: clinical testing. Allele origin: germline.
Comment: This sequence change replaces valine, which is neutral and non-polar, with leucine, which is neutral and non-polar, at codon 2650 of the CHD7 protein (p.Val2650Leu). This variant is not present in population databases (gnomAD no frequency). This variant has not been reported in the literature in individuals affected with CHD7-related conditions. Invitae Evidence Modeling of protein sequence and biophysical properties (such as structural, functional, and spatial information, amino acid conservation, physicochemical variation, residue mobility, and thermodynamic stability) indicates that this missense variant is expected to disrupt CHD7 protein function with a positive predictive value of 80%. In summary, the available evidence is currently insufficient to determine the role of this variant in disease. Therefore, it has been classified as a Variant of Uncertain Significance.

NM_017780.4(CHD7):c.7948G>C (p.Val2650Leu)

Gene: CHD7 (chromodomain helicase DNA binding protein 7; plus strand). Cytogenetic location: 8q12.2.
Variant type: single nucleotide variant.
Coding change: c.7948G>C on transcript NM_017780.4 (MANE Select); coding-DNA position 7948, G replaced by C.
Protein change: p.Val2650Leu; replaces valine 2650 with leucine.
Molecular consequence: missense variant.
Genome position (GRCh38, 1-based): chr8:60,862,313, G>C. VCF-style: chr8-60862313-G-C. GRCh37 (hg19) VCF-style: chr8-61774872-G-C.
Other names: c.1801G>C, p.Val601Leu (NM_001316690.1); short protein forms V601L, V2650L.
Identifiers: ClinVar variation 4739379 (VCV004739379.1).